The following is an entry in ClinVar:

NM_003701.4(TNFSF11):c.2T>G (p.Met1Arg)

Genes: TNFSF11 (TNF superfamily member 11; plus strand), LOC130009662 (ATAC-STARR-seq lymphoblastoid silent region 5301; plus strand). Cytogenetic location: 13q14.11.
Variant type: single nucleotide variant.
Coding change: c.2T>G on transcript NM_003701.4 (MANE Select); coding-DNA position 2, T replaced by G.
Protein change: p.Met1Arg; changes the start codon (methionine 1).
Molecular consequence: missense variant, initiator codon variant. On other transcripts: intron variant (1).
Genome position (GRCh38, 1-based): chr13:42,574,305, T>G. VCF-style: chr13-42574305-T-G. GRCh37 (hg19) VCF-style: chr13-43148441-T-G.
Other names: c.-1+2567T>G (NM_033012.4); short protein forms M1R.
Identifiers: ClinVar variation 1177514 (VCV001177514.10), dbSNP rs201199211, ClinGen allele CA6967105.

ClinVar aggregate classification (germline): Uncertain significance. Review status: criteria provided, multiple submitters, no conflicts (2 of 4 stars). 3 submissions from 3 submitters: Uncertain significance (3). Last evaluated 2024-06-24.

Conditions:
Autosomal recessive osteopetrosis 2. Also called: OSTEOPETROSIS, MILD AUTOSOMAL RECESSIVE FORM. Identifiers: Orphanet 667, MedGen C1850126, MONDO:0009816, OMIM 259710.

Submissions (3):

Fulgent Genetics
Classification: Uncertain significance for Autosomal recessive osteopetrosis 2. Last evaluated: 2024-06-24. Review status: criteria provided, single submitter. Criteria: ACMG Guidelines, 2015. Collection method: clinical testing. Allele origin: germline.

Department of Pathology and Laboratory Medicine, Sinai Health System
Classification: Uncertain significance for Autosomal recessive osteopetrosis 2. Last evaluated: 2022-09-28. Review status: criteria provided, single submitter. Criteria: ACMG Guidelines, 2015. Collection method: research. Allele origin: germline.

Labcorp Genetics (formerly Invitae), Labcorp
Classification: Uncertain significance. Last evaluated: 2022-06-28. Review status: criteria provided, single submitter. Criteria: Invitae Variant Classification Sherloc (09022015). Collection method: clinical testing. Allele origin: germline.
Comment: This sequence change affects the initiator methionine of the TNFSF11 mRNA. The next in-frame methionine is located at codon 18. This variant is present in population databases (rs201199211, gnomAD 0.01%), including at least one homozygous and/or hemizygous individual. This variant has not been reported in the literature in individuals affected with TNFSF11-related conditions. ClinVar contains an entry for this variant (Variation ID: 1177514). Experimental studies and prediction algorithms are not available or were not evaluated, and the functional significance of this variant is currently unknown. In summary, the available evidence is currently insufficient to determine the role of this variant in disease. Therefore, it has been classified as a Variant of Uncertain Significance.